The following is an entry in ClinVar:

NM_000051.4(ATM):c.109C>G (p.Pro37Ala)

Gene: ATM (ATM serine/threonine kinase; plus strand). Cytogenetic location: 11q22.3.
Variant type: single nucleotide variant.
Coding change: c.109C>G on transcript NM_000051.4 (MANE Select); coding-DNA position 109, C replaced by G.
Protein change: p.Pro37Ala; replaces proline 37 with alanine.
Molecular consequence: missense variant.
Genome position (GRCh38, 1-based): chr11:108,227,812, C>G. VCF-style: chr11-108227812-C-G. GRCh37 (hg19) VCF-style: chr11-108098539-C-G.
Other names: c.109C>G, p.Pro37Ala (NM_001351834.2, NM_001351835.2, NM_001351836.2); short protein forms P37A.
Identifiers: ClinVar variation 1791730 (VCV001791730.2), dbSNP rs2135012189, ClinGen allele CA382519789.

ClinVar aggregate classification (germline): Uncertain significance (1 of 4 stars; one submission).

Conditions:
Hereditary cancer-predisposing syndrome. Also called: Hereditary Cancer Syndrome; Hereditary neoplastic syndrome; Tumor predisposition; Neoplastic Syndromes, Hereditary. Identifiers: Orphanet 140162, MedGen C0027672, MeSH D009386, MONDO:0015356.

Submission:

Ambry Genetics
Classification: Uncertain significance for Hereditary cancer-predisposing syndrome. Last evaluated: 2017-10-12. Review status: criteria provided, single submitter. Criteria: Ambry Variant Classification Scheme 2023. Collection method: clinical testing. Allele origin: germline.
Comment: The p.P37A variant (also known as c.109C>G), located in coding exon 2 of the ATM gene, results from a C to G substitution at nucleotide position 109. The proline at codon 37 is replaced by alanine, an amino acid with highly similar properties. This amino acid position is well conserved in available vertebrate species. In addition, this alteration is predicted to be tolerated by in silico analysis. Since supporting evidence is limited at this time, the clinical significance of this alteration remains unclear.